The following is an entry in ClinVar:

NM_004448.4(ERBB2):c.3146G>A (p.Ser1049Asn)

Gene: ERBB2 (erb-b2 receptor tyrosine kinase 2; plus strand). Cytogenetic location: 17q12.
Variant type: single nucleotide variant.
Coding change: c.3146G>A on transcript NM_004448.4 (MANE Select); coding-DNA position 3146, G replaced by A.
Protein change: p.Ser1049Asn; replaces serine 1049 with asparagine.
Molecular consequence: missense variant. On other transcripts: non-coding transcript variant (1), intron variant (2).
Genome position (GRCh38, 1-based): chr17:39,726,990, G>A. VCF-style: chr17-39726990-G-A. GRCh37 (hg19) VCF-style: chr17-37883243-G-A.
Other names: c.3056G>A, p.Ser1019Asn (NM_001005862.3, NM_001382782.1, NM_001382783.1); c.3101G>A, p.Ser1034Asn (NM_001289936.2); c.3146G>A, p.Ser1049Asn (NM_001289937.2); c.3263G>A, p.Ser1088Asn (NM_001382784.1); c.3248G>A, p.Ser1083Asn (NM_001382785.1); c.3227G>A, p.Ser1076Asn (NM_001382786.1); c.3221G>A, p.Ser1074Asn (NM_001382787.1); c.3176G>A, p.Ser1059Asn (NM_001382788.1); and 16 more; short protein forms S1019N, S1049N, S1034N, S1016N, S1033N, S1035N, S1037N, S1046N.
Identifiers: ClinVar variation 132963 (VCV000132963.2), dbSNP rs104886025, ClinGen allele CA269871.

ClinVar aggregate classification (germline): not provided (0 of 4 stars; one submission).

Conditions:
Familial cancer of breast. Also called: BREAST CANCER, FAMILIAL; hereditary breast carcinoma; Hereditary breast cancer. Identifiers: Orphanet 227535, MedGen C0346153, MONDO:0016419, OMIM 114480. Disease mechanism: loss of function.

Allele frequency attached by ClinVar (database versions not stated): gnomAD exomes below 0.00001; ExAC 0.00001.
gnomAD v4.1: 1 of 1,601,042 alleles (0.000062%); highest among the groups gnomAD compares: East Asian, 0.0022%; no homozygotes.

Submission:

Laboratory of Translational Genomics,  National Cancer Institute
No classification provided. Condition: Familial cancer of breast. Review status: no classification provided. Collection method: not provided. Allele origin: somatic.
Comment: Breast Cancer specimen